The following is an entry in ClinVar:

NM_000059.4(BRCA2):c.5328GAA[1] (p.Lys1777del)

Gene: BRCA2 (BRCA2 DNA repair associated; plus strand). Cytogenetic location: 13q13.1.
Variant type: Microsatellite.
Coding change: c.5328GAA[1] on transcript NM_000059.4 (MANE Select); one copy of the 3-base unit GAA starting at c.5328; the reference has two copies in a row; one copy, 3 bases deleted; also written c.5331_5333del.
Protein change: p.Lys1777del; deletes lysine 1777.
Molecular consequence: inframe deletion.
Genome position (GRCh38, 1-based): chr13:32,339,686-32,339,688, GAA deleted; deleting any 3 consecutive bases within chr13:32,339,683-32,339,688 gives the same sequence; the position shown is the placement nearest the transcript's 3' end. VCF-style (leftmost placement, unchanged base first): chr13-32339682-TGAA-T. GRCh37 (hg19) VCF-style: chr13-32913819-TGAA-T.
Other names: 5559del3; c.5331_5333delGAA (NM_000059.4, NM_000059.3); c.5331_5333del (NM_000059.4); short protein forms K1777del.
Identifiers: ClinVar variation 91411 (VCV000091411.30), dbSNP rs398122529, ClinGen allele CA022026.

ClinVar aggregate classification (germline): Uncertain significance. Review status: criteria provided, multiple submitters, no conflicts (2 of 4 stars). 9 submissions from 9 submitters: Uncertain significance (8). 1 of the submissions does not count toward it. Last evaluated 2026-01-27.

Conditions:
Hereditary breast ovarian cancer syndrome. Also called: Hereditary breast and ovarian cancer syndrome; Hereditary breast and/or ovarian cancer syndrome; Hereditary breast and ovarian cancer; Hereditary breast and ovarian cancer syndrome (HBOC); Breast and ovarian cancer; BRCA1- and BRCA2-Associated Hereditary Breast and Ovarian Cancer. Identifiers: Orphanet 145, MedGen C0677776, MeSH D061325, MONDO:0003582. Disease mechanism: loss of function.
Familial cancer of breast. Also called: Hereditary breast cancer; hereditary breast carcinoma; BREAST CANCER, FAMILIAL. Identifiers: Orphanet 227535, MedGen C0346153, MONDO:0016419, OMIM 114480. Disease mechanism: loss of function.
Breast-ovarian cancer, familial, susceptibility to, 2 (BROVCA2). Also called: BRCA2 Hereditary Breast and Ovarian Cancer. Identifiers: Orphanet 145, MedGen C2675520, MONDO:0012933, OMIM 612555. Disease mechanism: loss of function.
Hereditary cancer-predisposing syndrome. Also called: Neoplastic Syndromes, Hereditary; Hereditary Cancer Syndrome; Tumor predisposition; Hereditary neoplastic syndrome. Identifiers: Orphanet 140162, MedGen C0027672, MeSH D009386, MONDO:0015356.

Submissions (9):

Labcorp Genetics (formerly Invitae), Labcorp
Classification: Uncertain significance for Hereditary breast ovarian cancer syndrome. Last evaluated: 2026-01-27. Review status: criteria provided, single submitter. Criteria: Invitae Variant Classification Sherloc (09022015). Collection method: clinical testing. Allele origin: germline.
Comment: This variant, c.5331_5333del, results in the deletion of 1 amino acid(s) of the BRCA2 protein (p.Lys1777del), but otherwise preserves the integrity of the reading frame. This variant is not present in population databases (gnomAD no frequency). This variant has not been reported in the literature in individuals affected with BRCA2-related conditions. In summary, the available evidence is currently insufficient to determine the role of this variant in disease. Therefore, it has been classified as a Variant of Uncertain Significance.

Ambry Genetics
Classification: Uncertain significance for Hereditary cancer-predisposing syndrome. Last evaluated: 2025-10-20. Review status: criteria provided, single submitter. Criteria: Ambry Variant Classification Scheme 2023. Collection method: clinical testing. Allele origin: germline.
Comment: The c.5331_5333delGAA variant (also known as p.K1777del) is located in coding exon 10 of the BRCA2 gene. This variant results from an in-frame GAA deletion at nucleotide positions 5331 to 5333. This results in the in-frame deletion of a lysine at codon 1777. This amino acid position is not well conserved in available vertebrate species. In addition, this alteration is predicted to be deleterious by in silico analysis (Choi Y et al. PLoS ONE. 2012; 7(10):e46688). Based on the available evidence, the clinical significance of this variant remains unclear.

Women's Health and Genetics/Laboratory Corporation of America, LabCorp
Classification: Uncertain significance. Last evaluated: 2025-07-10. Review status: criteria provided, single submitter. Criteria: LabCorp Variant Classification Summary - May 2015. Collection method: clinical testing. Allele origin: germline.
Comment: Variant summary: BRCA2 c.5331_5333delGAA (p.Lys1777del) results in an in-frame deletion that is predicted to remove 1 amino acid from the encoded protein. The variant was absent in 250658 control chromosomes (gnomAD). The available data on variant occurrences in the general population are insufficient to allow any conclusion about variant significance. To our knowledge, no occurrence of c.5331_5333delGAA in individuals affected with Hereditary Breast And Ovarian Cancer Syndrome and no experimental evidence demonstrating its impact on protein function have been reported. ClinVar contains an entry for this variant (Variation ID: 91411). Based on the evidence outlined above, the variant was classified as uncertain significance.

Blueprint Genetics
Classification: Uncertain significance. Last evaluated: 2024-08-26. Review status: criteria provided, single submitter. Criteria: ACMG Guidelines, 2015. Collection method: clinical testing. Allele origin: germline.

Baylor Genetics
Classification: Uncertain significance for Familial cancer of breast. Last evaluated: 2024-03-19. Review status: criteria provided, single submitter. Criteria: ACMG Guidelines, 2015. Collection method: clinical testing. Allele origin: unknown.

GeneDx
Classification: Uncertain significance. Last evaluated: 2023-08-17. Review status: criteria provided, single submitter. Criteria: GeneDx Variant Classification Process June 2021. Collection method: clinical testing. Allele origin: germline. Affected: yes.
Comment: Not observed at significant frequency in large population cohorts (gnomAD); In-frame deletion of 1 amino acid in a non-repeat region; In silico analysis supports a deleterious effect on protein structure/function; Has not been previously published as pathogenic or benign to our knowledge; Also known as c.5559_5561delGAA; c.5328_5330delGAAl; c.5559del3

Color Diagnostics, LLC DBA Color Health
Classification: Uncertain significance for Hereditary cancer-predisposing syndrome. Last evaluated: 2020-07-22. Review status: criteria provided, single submitter. Criteria: ACMG Guidelines, 2015. Collection method: clinical testing. Allele origin: germline.
Comment: This variant causes a single amino acid deletion from the BRCA2 protein. To our knowledge, functional studies have not been reported for this variant. This variant has not been reported in individuals affected with hereditary cancer in the literature. This variant has not been identified in the general population by the Genome Aggregation Database (gnomAD). The available evidence is insufficient to determine the role of this variant in disease conclusively. Therefore, this variant is classified as a Variant of Uncertain Significance.

Quest Diagnostics Nichols Institute San Juan Capistrano
Classification: Uncertain significance. Last evaluated: 2019-08-16. Review status: criteria provided, single submitter. Criteria: Quest Diagnostics criteria. Collection method: clinical testing. Allele origin: unknown.

Sharing Clinical Reports Project (SCRP)
Classification: Likely benign for Breast-ovarian cancer, familial 2. Last evaluated: 2012-07-19. Review status: no assertion criteria provided. Collection method: clinical testing. Allele origin: germline. Not counted in ClinVar's aggregate classification.